The following is an entry in ClinVar:

ClinVar aggregate classification (germline): Likely pathogenic (1 of 4 stars; one submission).

Conditions:
Osteosarcoma. Also called: Osteosarcoma (disease). Identifiers: MedGen C0029463, MeSH D012516, MONDO:0009807, HP:0002669.

Submission:

Zero Childhood Cancer Program, Children's Cancer Institute
Classification: Likely pathogenic for Osteosarcoma. Last evaluated: 2026-05-20. Review status: criteria provided, single submitter. Criteria: Zero Childhood Cancer Program Assertion Criteria November2025. Collection method: research. Allele origin: germline. Inheritance: Autosomal dominant inheritance. Affected: yes.
Comment: This c.2369G>A (p.Gly790Asp) missense variant is located in exon 15 of 18 of SMARCAL1. This variant is absent in gnomAD v4 (PM2_Supporting). The REVEL computational prediction analysis tool produced a score of 0.98, which is above the threshold necessary to apply PP3 (PP3_Strong). This variant is situated within the critical functional helicase domain of SMARCAL1 (PM1_supporting). This variant is homozygous in the patient’s tumour sample due to segmental copy-neutral loss of heterozygosity of chromosome 2q (PS3_Supporting, internal data). For these reasons, this variant has been classified as likely pathogenic.

NM_014140.4(SMARCAL1):c.2369G>A (p.Gly790Asp)

Gene: SMARCAL1 (SNF2 related chromatin remodeling annealing helicase 1; plus strand). Cytogenetic location: 2q35.
Variant type: single nucleotide variant.
Coding change: c.2369G>A on transcript NM_014140.4 (MANE Select); coding-DNA position 2369, G replaced by A.
Protein change: p.Gly790Asp; replaces glycine 790 with aspartic acid.
Molecular consequence: missense variant.
Genome position (GRCh38, 1-based): chr2:216,475,393, G>A. VCF-style: chr2-216475393-G-A. GRCh37 (hg19) VCF-style: chr2-217340116-G-A.
Other names: c.2369G>A, p.Gly790Asp (NM_001127207.2); short protein forms G790D.
Identifiers: ClinVar variation 4851566 (VCV004851566.1).